The following is an entry in ClinVar:

ClinVar aggregate classification (germline): Conflicting classifications of pathogenicity. Review status: criteria provided, conflicting classifications (1 of 4 stars). 3 submissions from 2 submitters: Uncertain significance (2); Likely benign (1). Last evaluated 2018-08-22.

Conditions:
Transitory neonatal diabetes mellitus. Also called: Transient neonatal diabetes mellitus. Identifiers: MedGen C0342273, MONDO:0020525, HP:0008255.
Maturity-onset diabetes of the young (MODY). Also called: Maturity onset diabetes mellitus in young. Identifiers: Orphanet 552, MedGen C0342276, MONDO:0018911, HP:0004904.

Submissions (3):

Labcorp Genetics (formerly Invitae), Labcorp
Classification: Likely benign. Last evaluated: 2018-08-22. Review status: criteria provided, single submitter. Criteria: Invitae Variant Classification Sherloc (09022015). Collection method: clinical testing. Allele origin: germline.

Clinical Genomics, Uppaluri K&H Personalized Medicine Clinic
Classification: Uncertain significance for Maturity-onset diabetes of the young. Review status: criteria provided, single submitter. Criteria: K & H Uppaluri Personalized Medicine Clinic Variant Classification & Assertion Criteria_Updated V.1. Collection method: research. Allele origin: unknown. Inheritance: Somatic mutation.
Comment: Mutations in ABCC8 gene are associated with both neonatal diabetes mellitus as well as MODY. Patients with this mutation may have a better response to sulfonylureas. However, no sufficient evidence is found to ascertain the role of this particular variant (rs1591896019) in MODY yet.

Clinical Genomics, Uppaluri K&H Personalized Medicine Clinic
Classification: Uncertain significance for Transitory neonatal diabetes mellitus. Review status: criteria provided, single submitter. Criteria: K & H Uppaluri Personalized Medicine Clinic Variant Classification & Assertion Criteria_Updated V.1. Collection method: research. Allele origin: unknown. Inheritance: Somatic mutation.
Comment: Mutations in ABCC8 gene are associated with both neonatal diabetes mellitus as well as MODY. Patients with this mutation may have a better response to sulfonylureas. However, no sufficient evidence is found to ascertain the role of this particular variant (rs1591896019) in neonatal diabetes yet.

Literature cited by the submitters: PubMed 16885549 (cited by Clinical Genomics, Uppaluri K&H Personalized Medicine Clinic); PubMed 21989597 (cited by Clinical Genomics, Uppaluri K&H Personalized Medicine Clinic); PubMed 27538677 (cited by Clinical Genomics, Uppaluri K&H Personalized Medicine Clinic); PubMed 18981553 (cited by Clinical Genomics, Uppaluri K&H Personalized Medicine Clinic); PubMed 32027066 (cited by Clinical Genomics, Uppaluri K&H Personalized Medicine Clinic); PubMed 16613899 (cited by Clinical Genomics, Uppaluri K&H Personalized Medicine Clinic); PubMed 18025408 (cited by Clinical Genomics, Uppaluri K&H Personalized Medicine Clinic); PubMed 32792356 (cited by Clinical Genomics, Uppaluri K&H Personalized Medicine Clinic).

NM_000352.6(ABCC8):c.546G>A (p.Leu182=)

Gene: ABCC8 (ATP binding cassette subfamily C member 8; minus strand). Cytogenetic location: 11p15.1.
Variant type: single nucleotide variant.
Coding change: c.546G>A on transcript NM_000352.6 (MANE Select); coding-DNA position 546, G replaced by A.
Protein change: p.Leu182=; no amino-acid change (leucine 182 retained).
Molecular consequence: synonymous variant. On other transcripts: non-coding transcript variant (1).
Genome position (GRCh38, 1-based): chr11:17,463,471, C>T on the plus strand (G>A on the coding strand, the complement: ABCC8 is on the minus strand). VCF-style: chr11-17463471-C-T. GRCh37 (hg19) VCF-style: chr11-17485018-C-T.
Other names: c.546G>A, p.Leu182= (NM_001287174.3, NM_001351295.2, NM_001351296.2 and 1 more transcripts).
Identifiers: ClinVar variation 766359 (VCV000766359.10), dbSNP rs1591896019, ClinGen allele CA473301033.